The following is an entry in ClinVar:

ClinVar aggregate classification (germline): Pathogenic. Review status: criteria provided, multiple submitters, no conflicts (2 of 4 stars). 5 submissions from 5 submitters: Pathogenic (4). 1 of the submissions does not count toward it. Last evaluated 2026-03-31.

Conditions:
Lysinuric protein intolerance (LPI). Identifiers: Orphanet 470, MedGen C0268647, MONDO:0009109, OMIM 222700.

Submissions (5):

GeneDx
Classification: Pathogenic. Last evaluated: 2026-03-31. Review status: criteria provided, single submitter. Criteria: GeneDx Variant Classification Process June 2021. Collection method: clinical testing. Allele origin: germline.
Comment: Published functional studies demonstrate a damaging effect (PMID: 15776427); Frameshift variant predicted to result in abnormal protein length as the last 116 amino acid(s) are replaced with 121 different amino acid(s), and other similar variants have been reported in HGMD; Not observed at significant frequency in large population cohorts (gnomAD); Also known as c.1425delTTCT; This variant is associated with the following publications: (PMID: 23430825, 31589614, 29058386, 38444501, 28057010, 10655553, 33364809, 30832686, 38801286, 39843441, 18716612, 10631139, 26882824, 34095032, 15776427)

Natera, Inc.
Classification: Pathogenic for Lysinuric protein intolerance. Last evaluated: 2025-10-30. Review status: criteria provided, single submitter. Criteria: Natera Variant Classification Schema (03/2026). Collection method: clinical testing. Allele origin: germline.
Comment: The c.1185_1188delTTCT variant in SLC7A7 is a frameshift variant predicted to elongate the protein beyond the termination codon. This variant is expected to result in nonsense mediated decay, truncation, or a dysfunctional protein product. This variant is rare in the general population with a frequency below the threshold expected for the associated phenotype(s). This variant has been observed in one or more individuals affected with the associated recessive disease, as either homozygous or compound heterozygous with a second variant (PMID: 15776427). Given the available evidence, this variant is classified as Pathogenic.

Fulgent Genetics
Classification: Pathogenic for Lysinuric protein intolerance. Last evaluated: 2024-05-02. Review status: criteria provided, single submitter. Criteria: ACMG Guidelines, 2015. Collection method: clinical testing. Allele origin: germline.

Labcorp Genetics (formerly Invitae), Labcorp
Classification: Pathogenic for Lysinuric protein intolerance. Last evaluated: 2024-02-02. Review status: criteria provided, single submitter. Criteria: Invitae Variant Classification Sherloc (09022015). Collection method: clinical testing. Allele origin: germline.
Comment: This sequence change results in a frameshift in the SLC7A7 gene (p.Ser396Leufs*122). While this is not anticipated to result in nonsense mediated decay, it is expected to disrupt the last 116 amino acid(s) of the SLC7A7 protein and extend the protein by 5 additional amino acid residues. This variant is present in population databases (rs386833800, gnomAD 0.006%). This frameshift has been observed in individual(s) with lysinuric protein intolerance (PMID: 10655553, 15776427, 18716612, 23430825). In at least one individual the data is consistent with being in trans (on the opposite chromosome) from a pathogenic variant. It has also been observed to segregate with disease in related individuals. This variant is also known as 1425delTTCT and 1471delTTCT. ClinVar contains an entry for this variant (Variation ID: 56352). Algorithms developed to predict the effect of variants on protein structure and function are not available or were not evaluated for this variant. Experimental studies have shown that this frameshift affects SLC7A7 function (PMID: 15776427). For these reasons, this variant has been classified as Pathogenic.

Juha Muilu Group; Institute for Molecular Medicine Finland (FIMM)
Classification: Likely pathogenic for Lysinuric protein intolerance. Review status: no assertion criteria provided. Collection method: not provided. Allele origin: unknown. Not counted in ClinVar's aggregate classification.
Comment: FinDis database variant: This variant was not found or characterized by our laboratory, data were collected from public sources: see reference
ClinVar note: Converted during submission from probable-pathogenic to Likely pathogenic.

Literature cited by the submitters: PubMed 15776427 (cited by Natera, Inc. and Labcorp Genetics (formerly Invitae), Labcorp); PubMed 10655553 (cited by Labcorp Genetics (formerly Invitae), Labcorp); PubMed 18716612 (cited by Labcorp Genetics (formerly Invitae), Labcorp); PubMed 23430825 (cited by Labcorp Genetics (formerly Invitae), Labcorp).

NM_003982.4(SLC7A7):c.1185_1188del (p.Ser396fs)

Gene: SLC7A7 (solute carrier family 7 member 7; minus strand). Cytogenetic location: 14q11.2.
Variant type: Deletion.
Coding change: c.1185_1188del on transcript NM_003982.4 (MANE Select); coding-DNA positions 1185 to 1188, 4 bases deleted (TTCT; older notation c.1185_1188delTTCT).
Protein change: p.Ser396fs; shifts the reading frame from serine 396.
Molecular consequence: frameshift variant.
Genome position (GRCh38, 1-based): chr14:22,774,411-22,774,414, AGAA deleted on the plus strand (TTCT on the coding strand, the reverse complement: SLC7A7 is on the minus strand); deleting any 4 consecutive bases within chr14:22,774,411-22,774,416 gives the same sequence; the c. name uses the placement nearest the transcript's 3' end. VCF-style (leftmost placement, unchanged base first): chr14-22774410-TAGAA-T. GRCh37 (hg19) VCF-style: chr14-23243619-TAGAA-T.
Other names: c.1185_1188delTTCT (NM_001126106.2, NM_001126105.2); c.1185_1188del, p.Ser396fs (NM_001126105.3, NM_001126106.4); short protein forms S396fs.
Identifiers: ClinVar variation 56352 (VCV000056352.15), dbSNP rs386833800, ClinGen allele CA263775.
Genomic context (GRCh38, chr14:22,774,410, plus strand): 5'-TTACCTTGAGGGGACGAGGTCGATCAGGCTCCTTCCAGCGCAGATAAAGCTGACCCACAA[TAGAA>T]AGCCCCACAAAGAACCAGTAGCTGAAGCTGTAGTAGTTAATGAGCTGGAAGATGTCTTCC-3'